The following is an entry in ClinVar:

NM_001258392.3(CLPB):c.775+1G>A

Gene: CLPB (ClpB family mitochondrial disaggregase; minus strand). Cytogenetic location: 11q13.4.
Variant type: single nucleotide variant.
Coding change: c.775+1G>A on transcript NM_001258392.3 (MANE Select); the canonical splice donor site of the intron after coding-DNA position 775, G replaced by A.
Molecular consequence: splice donor variant.
Genome position (GRCh38, 1-based): chr11:72,358,879, C>T on the plus strand (G>A on the coding strand, the complement: CLPB is on the minus strand). VCF-style: chr11-72358879-C-T. GRCh37 (hg19) VCF-style: chr11-72069923-C-T.
Other names: c.688+1G>A (NM_001258393.3); c.865+1G>A (NM_030813.6); c.730+1G>A (NM_001258394.3).
Identifiers: ClinVar variation 2740760 (VCV002740760.3), dbSNP rs2495561761, ClinGen allele CA381962095.

ClinVar aggregate classification (germline): Likely pathogenic (1 of 4 stars; one submission).

Conditions:
3-methylglutaconic aciduria, type VIIB (MGCA7B). Also called: CLPB Deficiency; 3-methylglutaconic aciduria, type VII, with cataracts, neurologic involvement and neutropenia; 3-methylglutaconic aciduria with cataracts, neurologic involvement and neutropenia. Identifiers: Orphanet 445038, MedGen C5676893, MONDO:0014561, OMIM 616271.

Allele frequency attached by ClinVar (database versions not stated): gnomAD exomes below 0.00001.
gnomAD v4.1: 2 of 1,583,008 alleles (0.00013%); highest among the groups gnomAD compares: Non-Finnish European, 0.000086%; no homozygotes.

Submission:

Labcorp Genetics (formerly Invitae), Labcorp
Classification: Likely pathogenic for 3-methylglutaconic aciduria, type VIIB. Last evaluated: 2023-07-10. Review status: criteria provided, single submitter. Criteria: Invitae Variant Classification Sherloc (09022015). Collection method: clinical testing. Allele origin: germline.
Comment: In summary, the currently available evidence indicates that the variant is pathogenic, but additional data are needed to prove that conclusively. Therefore, this variant has been classified as Likely Pathogenic. Algorithms developed to predict the effect of sequence changes on RNA splicing suggest that this variant may disrupt the consensus splice site. This variant has not been reported in the literature in individuals affected with CLPB-related conditions. This variant is not present in population databases (gnomAD no frequency). This sequence change affects a donor splice site in intron 6 of the CLPB gene. It is expected to disrupt RNA splicing. Variants that disrupt the donor or acceptor splice site typically lead to a loss of protein function (PMID: 16199547), and loss-of-function variants in CLPB are known to be pathogenic (PMID: 25597510, 28687938).

Literature cited by the submitters: PubMed 16199547; PubMed 25597510; PubMed 28687938.